The following is an entry in ClinVar:

ClinVar aggregate classification (germline): Conflicting classifications of pathogenicity. Review status: criteria provided, conflicting classifications (1 of 4 stars). 4 submissions from 4 submitters: Uncertain significance (1); Likely benign (3). Last evaluated 2026-06-03.

Conditions:
CACNA1F-related disorder. Also called: CACNA1F-related condition.

Allele frequency attached by ClinVar (database versions not stated): ExAC 0.00009; TOPMed 0.00010; gnomAD exomes 0.00012 and 0.00016; gnomAD 0.00013 and 0.00014.
gnomAD v4.1: 191 of 1,208,041 alleles (0.016%); highest among the groups gnomAD compares: Middle Eastern, 0.046%; no homozygotes.

Submissions (4):

PreventionGenetics, part of Exact Sciences
Classification: Likely benign for CACNA1F-related condition. Last evaluated: 2026-06-03. Review status: criteria provided, single submitter. Criteria: ACMG Guidelines, 2015. Collection method: clinical testing. Allele origin: germline.
Comment: This variant is classified as likely benign based on ACMG/AMP sequence variant interpretation guidelines (Richards et al. 2015 PMID: 25741868, with internal and published modifications).

Labcorp Genetics (formerly Invitae), Labcorp
Classification: Uncertain significance. Last evaluated: 2025-08-15. Review status: criteria provided, single submitter. Criteria: Invitae Variant Classification Sherloc (09022015). Collection method: clinical testing. Allele origin: germline.
Comment: This sequence change replaces arginine, which is basic and polar, with histidine, which is basic and polar, at codon 1289 of the CACNA1F protein (p.Arg1289His). The frequency data for this variant in the population databases is considered unreliable, as metrics indicate poor data quality at this position in the gnomAD database. This variant has not been reported in the literature in individuals affected with CACNA1F-related conditions. ClinVar contains an entry for this variant (Variation ID: 852903). Invitae Evidence Modeling of protein sequence and biophysical properties (such as structural, functional, and spatial information, amino acid conservation, physicochemical variation, residue mobility, and thermodynamic stability) indicates that this missense variant is not expected to disrupt CACNA1F protein function with a negative predictive value of 80%. In summary, the available evidence is currently insufficient to determine the role of this variant in disease. Therefore, it has been classified as a Variant of Uncertain Significance.

Blueprint Genetics
Classification: Likely benign. Last evaluated: 2024-09-14. Review status: criteria provided, single submitter. Criteria: ACMG Guidelines, 2015. Collection method: clinical testing. Allele origin: germline.

CeGaT Center for Human Genetics Tuebingen
Classification: Likely benign. Last evaluated: 2022-11-01. Review status: criteria provided, single submitter. Criteria: CeGaT Center For Human Genetics Tuebingen Variant Classification Criteria Version 2. Collection method: clinical testing. Allele origin: germline. Affected: yes. Observed: 1 variant allele.
Comment: CACNA1F: BS2

NM_001256789.3(CACNA1F):c.3833G>A (p.Arg1278His)

Gene: CACNA1F (calcium voltage-gated channel subunit alpha1 F; minus strand). Cytogenetic location: Xp11.23.
Variant type: single nucleotide variant.
Coding change: c.3833G>A on transcript NM_001256789.3 (MANE Select); coding-DNA position 3833, G replaced by A.
Protein change: p.Arg1278His; replaces arginine 1278 with histidine.
Molecular consequence: missense variant.
Genome position (GRCh38, 1-based): chrX:49,212,776, C>T on the plus strand (G>A on the coding strand, the complement: CACNA1F is on the minus strand). VCF-style: chrX-49212776-C-T. GRCh37 (hg19) VCF-style: chrX-49069236-C-T.
Other names: c.3671G>A, p.Arg1224His (NM_001256790.3); c.3866G>A, p.Arg1289His (NM_005183.4); short protein forms R1278H, R1224H, R1289H.
Identifiers: ClinVar variation 852903 (VCV000852903.33), dbSNP rs782330306, ClinGen allele CA10410344.